The following is an entry in ClinVar:

ClinVar aggregate classification (germline): Uncertain significance (1 of 4 stars; one submission).

gnomAD v4.1: 2 of 1,614,142 alleles (0.00012%); highest among the groups gnomAD compares: Non-Finnish European, 0.00017%; no homozygotes.

Submission:

Women's Health and Genetics/Laboratory Corporation of America, LabCorp
Classification: Uncertain significance. Last evaluated: 2025-06-17. Review status: criteria provided, single submitter. Criteria: LabCorp Variant Classification Summary - May 2015. Collection method: clinical testing. Allele origin: germline.
Comment: Variant summary: ATP13A2 c.1233C>G (p.Ile411Met) results in a conservative amino acid change in the encoded protein sequence. Algorithms developed to predict the effect of missense changes on protein structure and function are either unavailable or do not agree on the potential impact of this missense change. The variant allele was found at a frequency of 1.2e-05 in 251110 control chromosomes in the gnomAD database, including 1 homozygote. c.1233C>G has been observed in a homozygous individual affected with an ALS-like phenotype (Spataro_2019). These data indicate that the variant may be associated with disease. To our knowledge, no experimental evidence demonstrating an impact on protein function has been reported. The following publication has been ascertained in the context of this evaluation (PMID: 30992063). No submitters have cited clinical-significance assessments for this variant to ClinVar. Based on the evidence outlined above, the variant was classified as VUS-possibly pathogenic.

Literature cited by the submitters: PubMed 30992063.

NM_022089.4(ATP13A2):c.1233C>G (p.Ile411Met)

Gene: ATP13A2 (ATPase cation transporting 13A2; minus strand). Cytogenetic location: 1p36.13.
Variant type: single nucleotide variant.
Coding change: c.1233C>G on transcript NM_022089.4 (MANE Select); coding-DNA position 1233, C replaced by G.
Protein change: p.Ile411Met; replaces isoleucine 411 with methionine.
Molecular consequence: missense variant.
Genome position (GRCh38, 1-based): chr1:16,996,459, G>C on the plus strand (C>G on the coding strand, the complement: ATP13A2 is on the minus strand). VCF-style: chr1-16996459-G-C. GRCh37 (hg19) VCF-style: chr1-17322954-G-C.
Other names: c.1218C>G, p.Ile406Met (NM_001141973.3, NM_001141974.3); short protein forms I406M, I411M.
Identifiers: ClinVar variation 3907059 (VCV003907059.1).